The following is an entry in ClinVar:

ClinVar aggregate classification (germline): Pathogenic (1 of 4 stars; one submission).

Conditions:
Cardiovascular phenotype. Identifiers: MedGen CN230736.

Allele frequency attached by ClinVar (database versions not stated): gnomAD exomes below 0.00001.
gnomAD v4.1: 1 of 1,614,022 alleles (0.000062%); highest among the groups gnomAD compares: Non-Finnish European, 0.000085%; no homozygotes.

Submission:

Ambry Genetics
Classification: Pathogenic for Cardiovascular phenotype. Last evaluated: 2020-08-04. Review status: criteria provided, single submitter. Criteria: Ambry Variant Classification Scheme 2023. Collection method: clinical testing. Allele origin: germline.
Comment: The p.Q367* pathogenic mutation (also known as c.1099C>T), located in coding exon 8 of the KCNQ1 gene, results from a C to T substitution at nucleotide position 1099. This changes the amino acid from a glutamine to a stop codon within coding exon 8. This alteration is expected to result in loss of function by premature protein truncation or nonsense-mediated mRNA decay. As such, this alteration is interpreted as a disease-causing mutation.

NM_000218.3(KCNQ1):c.1099C>T (p.Gln367Ter)

Gene: KCNQ1 (potassium voltage-gated channel subfamily Q member 1; plus strand). Cytogenetic location: 11p15.5.
Variant type: single nucleotide variant.
Coding change: c.1099C>T on transcript NM_000218.3 (MANE Select); coding-DNA position 1099, C replaced by T.
Protein change: p.Gln367Ter; replaces glutamine 367 with a stop codon.
Molecular consequence: nonsense.
Genome position (GRCh38, 1-based): chr11:2,585,278, C>T. VCF-style: chr11-2585278-C-T. GRCh37 (hg19) VCF-style: chr11-2606508-C-T.
Other names: c.829C>T, p.Gln277Ter (NM_001406837.1); c.718C>T, p.Gln240Ter (NM_181798.2); short protein forms Q277*, Q367*, Q240*.
Identifiers: ClinVar variation 1791538 (VCV001791538.2), dbSNP rs2493700925, ClinGen allele CA379133864.